The following is an entry in ClinVar:

ClinVar aggregate classification (germline): Conflicting classifications of pathogenicity. Review status: criteria provided, conflicting classifications (1 of 4 stars). 2 submissions from 2 submitters: Uncertain significance (1); Likely benign (1). Last evaluated 2025-12-23.

Conditions:
Inborn genetic diseases. Identifiers: MedGen C0950123, MeSH D030342.
SPTBN1-related disorder. Also called: SPTBN1-related condition.

gnomAD v4.1: 12 of 1,614,064 alleles (0.00074%); highest among the groups gnomAD compares: African/African-American, 0.004%; no homozygotes.

Submissions (2):

PreventionGenetics, part of Exact Sciences
Classification: Likely benign for SPTBN1-related condition. Last evaluated: 2025-12-23. Review status: criteria provided, single submitter. Criteria: ACMG Guidelines, 2015. Collection method: clinical testing. Allele origin: germline.
Comment: This variant is classified as likely benign based on ACMG/AMP sequence variant interpretation guidelines (Richards et al. 2015 PMID: 25741868, with internal and published modifications).

Ambry Genetics
Classification: Uncertain significance for Inborn genetic diseases. Last evaluated: 2025-01-19. Review status: criteria provided, single submitter. Criteria: Ambry Variant Classification Scheme 2023. Collection method: clinical testing. Allele origin: germline.

NM_003128.3(SPTBN1):c.1445T>C (p.Val482Ala)

Gene: SPTBN1 (spectrin beta, non-erythrocytic 1; plus strand). Cytogenetic location: 2p16.2.
Variant type: single nucleotide variant.
Coding change: c.1445T>C on transcript NM_003128.3 (MANE Select); coding-DNA position 1445, T replaced by C.
Protein change: p.Val482Ala; replaces valine 482 with alanine.
Molecular consequence: missense variant.
Genome position (GRCh38, 1-based): chr2:54,626,035, T>C. VCF-style: chr2-54626035-T-C. GRCh37 (hg19) VCF-style: chr2-54853172-T-C.
Other names: c.1406T>C, p.Val469Ala (NM_178313.3); short protein forms V469A, V482A.
Identifiers: ClinVar variation 3801070 (VCV003801070.2).